The following is an entry in ClinVar:

NM_004972.4(JAK2):c.2074C>T (p.Pro692Ser)

Genes: INSL6 (insulin like 6; minus strand), JAK2 (Janus kinase 2; plus strand). Cytogenetic location: 9p24.1.
Variant type: single nucleotide variant.
Coding change: c.2074C>T on transcript NM_004972.4 (MANE Select); coding-DNA position 2074, C replaced by T.
Protein change: p.Pro692Ser; replaces proline 692 with serine.
Molecular consequence: missense variant. On other transcripts: non-coding transcript variant (2).
Genome position (GRCh38, 1-based): chr9:5,078,387, C>T. VCF-style: chr9-5078387-C-T. GRCh37 (hg19) VCF-style: chr9-5078387-C-T.
Other names: c.2074C>T, p.Pro692Ser (NM_001322194.2, NM_001322195.2, NM_001322196.2); c.859C>T, p.Pro287Ser (NM_001322198.2, NM_001322199.2); c.1627C>T, p.Pro543Ser (NM_001322204.2); short protein forms P287S, P543S, P692S.
Identifiers: ClinVar variation 3696924 (VCV003696924.2).

ClinVar aggregate classification (germline): Uncertain significance (1 of 4 stars; one submission).

gnomAD v4.1: 1 of 1,612,974 alleles (0.000062%); highest among the groups gnomAD compares: East Asian, 0.0022%; no homozygotes.

Submission:

Labcorp Genetics (formerly Invitae), Labcorp
Classification: Uncertain significance. Last evaluated: 2025-07-07. Review status: criteria provided, single submitter. Criteria: Invitae Variant Classification Sherloc (09022015). Collection method: clinical testing. Allele origin: germline.
Comment: This sequence change replaces proline, which is neutral and non-polar, with serine, which is neutral and polar, at codon 692 of the JAK2 protein (p.Pro692Ser). This variant is not present in population databases (gnomAD no frequency). This variant has not been reported in the literature in individuals affected with JAK2-related conditions. ClinVar contains an entry for this variant (Variation ID: 3696924). Invitae Evidence Modeling of protein sequence and biophysical properties (such as structural, functional, and spatial information, amino acid conservation, physicochemical variation, residue mobility, and thermodynamic stability) indicates that this missense variant is not expected to disrupt JAK2 protein function with a negative predictive value of 80%. In summary, the available evidence is currently insufficient to determine the role of this variant in disease. Therefore, it has been classified as a Variant of Uncertain Significance.